The following is an entry in ClinVar:

NM_030665.4(RAI1):c.1651G>C (p.Glu551Gln)

Gene: RAI1 (retinoic acid induced 1; plus strand). Cytogenetic location: 17p11.2.
Variant type: single nucleotide variant.
Coding change: c.1651G>C on transcript NM_030665.4 (MANE Select); coding-DNA position 1651, G replaced by C.
Protein change: p.Glu551Gln; replaces glutamic acid 551 with glutamine.
Molecular consequence: missense variant.
Genome position (GRCh38, 1-based): chr17:17,794,599, G>C. VCF-style: chr17-17794599-G-C. GRCh37 (hg19) VCF-style: chr17-17697913-G-C.
Other names: short protein forms E551Q.
Identifiers: ClinVar variation 4766984 (VCV004766984.1).

ClinVar aggregate classification (germline): Uncertain significance (1 of 4 stars; one submission).

gnomAD v4.1: 1 of 1,613,222 alleles (0.000062%); highest among the groups gnomAD compares: South Asian, 0.0011%; no homozygotes.

Submission:

Labcorp Genetics (formerly Invitae), Labcorp
Classification: Uncertain significance. Last evaluated: 2025-11-08. Review status: criteria provided, single submitter. Criteria: Invitae Variant Classification Sherloc (09022015). Collection method: clinical testing. Allele origin: germline.
Comment: This sequence change replaces glutamic acid, which is acidic and polar, with glutamine, which is neutral and polar, at codon 551 of the RAI1 protein (p.Glu551Gln). This variant is not present in population databases (gnomAD no frequency). This variant has not been reported in the literature in individuals affected with RAI1-related conditions. Invitae Evidence Modeling of protein sequence and biophysical properties (such as structural, functional, and spatial information, amino acid conservation, physicochemical variation, residue mobility, and thermodynamic stability) indicates that this missense variant is expected to disrupt RAI1 protein function with a positive predictive value of 80%. In summary, the available evidence is currently insufficient to determine the role of this variant in disease. Therefore, it has been classified as a Variant of Uncertain Significance.